The following is an entry in ClinVar:

NM_032119.4(ADGRV1):c.12297G>C (p.Gln4099His)

Gene: ADGRV1 (adhesion G protein-coupled receptor V1; plus strand). Cytogenetic location: 5q14.3.
Variant type: single nucleotide variant.
Coding change: c.12297G>C on transcript NM_032119.4 (MANE Select); coding-DNA position 12297, G replaced by C.
Protein change: p.Gln4099His; replaces glutamine 4099 with histidine.
Molecular consequence: missense variant. On other transcripts: non-coding transcript variant (1).
Genome position (GRCh38, 1-based): chr5:90,774,197, G>C. VCF-style: chr5-90774197-G-C. GRCh37 (hg19) VCF-style: chr5-90070014-G-C.
Other names: c.12297G>C (NM_032119.3); short protein forms Q4099H.
Identifiers: ClinVar variation 2997891 (VCV002997891.6), dbSNP rs767081312, ClinGen allele CA3341211.

ClinVar aggregate classification (germline): Conflicting classifications of pathogenicity. Review status: criteria provided, conflicting classifications (1 of 4 stars). 4 submissions from 4 submitters: Uncertain significance (3); Benign (1). Last evaluated 2026-01-19.

Conditions:
Inborn genetic diseases. Identifiers: MedGen C0950123, MeSH D030342.

Allele frequency attached by ClinVar (database versions not stated): gnomAD 0.00002; TOPMed 0.00003; ExAC 0.00006.
gnomAD v4.1: 16 of 1,601,382 alleles (0.001%); highest among the groups gnomAD compares: East Asian, 0.034%; no homozygotes.

Submissions (4):

Labcorp Genetics (formerly Invitae), Labcorp
Classification: Benign. Last evaluated: 2026-01-19. Review status: criteria provided, single submitter. Criteria: Invitae Variant Classification Sherloc (09022015). Collection method: clinical testing. Allele origin: germline.

Women's Health and Genetics/Laboratory Corporation of America, LabCorp
Classification: Uncertain significance. Last evaluated: 2024-11-13. Review status: criteria provided, single submitter. Criteria: LabCorp Variant Classification Summary - May 2015. Collection method: clinical testing. Allele origin: germline.
Comment: Variant summary: ADGRV1 c.12297G>C (p.Gln4099His) results in a non-conservative amino acid change located in the Calx-beta domain (IPR003644) of the encoded protein sequence. Three of five in-silico tools predict a damaging effect of the variant on protein function. The variant allele was found at a frequency of 8.1e-05 in 246098 control chromosomes. This frequency is not significantly higher than estimated for a pathogenic variant in ADGRV1 causing ADGRV1-Related Disorders, allowing no conclusion about variant significance. To our knowledge, no occurrence of c.12297G>C in individuals affected with ADGRV1-Related Disorders and no experimental evidence demonstrating its impact on protein function have been reported. ClinVar contains an entry for this variant (Variation ID: 2997891). Based on the evidence outlined above, the variant was classified as uncertain significance.

Ambry Genetics
Classification: Uncertain significance for Inborn genetic diseases. Last evaluated: 2024-04-12. Review status: criteria provided, single submitter. Criteria: Ambry Variant Classification Scheme 2023. Collection method: clinical testing. Allele origin: germline.

Blueprint Genetics
Classification: Uncertain significance. Last evaluated: 2022-03-22. Review status: criteria provided, single submitter. Criteria: ACMG Guidelines, 2015. Collection method: clinical testing. Allele origin: germline.